The following is an entry in ClinVar:

ClinVar aggregate classification (germline): Pathogenic (1 of 4 stars; one submission).

Conditions:
Developmental and epileptic encephalopathy, 32 (DEE32). Also called: Epileptic encephalopathy, early infantile, 32. Identifiers: Orphanet 442835, MedGen C4225350, MONDO:0014607, OMIM 616366.

Submission:

Labcorp Genetics (formerly Invitae), Labcorp
Classification: Pathogenic for Developmental and epileptic encephalopathy, 32. Last evaluated: 2025-03-30. Review status: criteria provided, single submitter. Criteria: Invitae Variant Classification Sherloc (09022015). Collection method: clinical testing. Allele origin: germline.
Comment: This sequence change replaces leucine, which is neutral and non-polar, with valine, which is neutral and non-polar, at codon 307 of the KCNA2 protein (p.Leu307Val). This variant is not present in population databases (gnomAD no frequency). This missense change has been observed in individual(s) with KCNA2-related conditions (internal data). In at least one individual the variant was observed to be de novo. ClinVar contains an entry for this variant (Variation ID: 2825567). Invitae Evidence Modeling of protein sequence and biophysical properties (such as structural, functional, and spatial information, amino acid conservation, physicochemical variation, residue mobility, and thermodynamic stability) has been performed for this missense variant. However, the output from this modeling did not meet the statistical confidence thresholds required to predict the impact of this variant on KCNA2 protein function. For these reasons, this variant has been classified as Pathogenic.

NM_004974.4(KCNA2):c.919T>G (p.Leu307Val)

Gene: KCNA2 (potassium voltage-gated channel subfamily A member 2; minus strand). Cytogenetic location: 1p13.3.
Variant type: single nucleotide variant.
Coding change: c.919T>G on transcript NM_004974.4 (MANE Select); coding-DNA position 919, T replaced by G.
Protein change: p.Leu307Val; replaces leucine 307 with valine.
Molecular consequence: missense variant. On other transcripts: intron variant (1).
Genome position (GRCh38, 1-based): chr1:110,603,864, A>C on the plus strand (T>G on the coding strand, the complement: KCNA2 is on the minus strand). VCF-style: chr1-110603864-A-C. GRCh37 (hg19) VCF-style: chr1-111146486-A-C.
Other names: c.894+25T>G (NM_001204269.2); short protein forms L307V.
Identifiers: ClinVar variation 2825567 (VCV002825567.3), dbSNP rs2524617930, ClinGen allele CA341602761.